The following is an entry in ClinVar:

ClinVar aggregate classification (germline): Conflicting classifications of pathogenicity. Review status: criteria provided, conflicting classifications (1 of 4 stars). 2 submissions from 2 submitters: Uncertain significance (1); Likely benign (1). Last evaluated 2024-06-18.

Conditions:
Norman-Roberts syndrome (LIS2). Also called: Lissencephaly 2 (Norman-Roberts type). Identifiers: Orphanet 89844, MedGen C0796089, MONDO:0009760, OMIM 257320.
Familial temporal lobe epilepsy 7. Identifiers: Orphanet 101046, MedGen C4225327, MONDO:0014639, OMIM 616436.

Allele frequency attached by ClinVar (database versions not stated): gnomAD below 0.00001 and 0.00001; ExAC 0.00002; gnomAD exomes 0.00002.
gnomAD v4.1: 30 of 1,614,026 alleles (0.0019%); highest among the groups gnomAD compares: South Asian, 0.031%; no homozygotes.

Submissions (2):

Labcorp Genetics (formerly Invitae), Labcorp
Classification: Likely benign for Familial temporal lobe epilepsy 7; Norman-Roberts syndrome. Last evaluated: 2024-06-18. Review status: criteria provided, single submitter. Criteria: Invitae Variant Classification Sherloc (09022015). Collection method: clinical testing. Allele origin: germline.

GeneDx
Classification: Uncertain significance. Last evaluated: 2018-05-25. Review status: criteria provided, single submitter. Criteria: GeneDx Variant Classification (06012015). Collection method: clinical testing. Allele origin: germline. Affected: yes.
Comment: The S2685P variant has not been published as a pathogenic variant, nor has it been reported as a benign variant to our knowledge. The S2685P variant is observed in 6/30780 (0.02%) alleles from individuals of South Asian background in large population cohorts (Lek et al., 2016). The S2685P variant is a non-conservative amino acid substitution, which is likely to impact secondary protein structure as these residues differ in polarity, charge, size and/or other properties. In-silico analyses, including protein predictors and evolutionary conservation, support that this variant does not alter protein structure/function. Therefore, based on the currently available information, it is unclear whether this variant is a pathogenic variant or a rare benign variant.

NM_005045.4(RELN):c.8053T>C (p.Ser2685Pro)

Gene: RELN (reelin; minus strand). Cytogenetic location: 7q22.1.
Variant type: single nucleotide variant.
Coding change: c.8053T>C on transcript NM_005045.4 (MANE Select); coding-DNA position 8053, T replaced by C.
Protein change: p.Ser2685Pro; replaces serine 2685 with proline.
Molecular consequence: missense variant.
Genome position (GRCh38, 1-based): chr7:103,515,251, A>G on the plus strand (T>C on the coding strand, the complement: RELN is on the minus strand). VCF-style: chr7-103515251-A-G. GRCh37 (hg19) VCF-style: chr7-103155698-A-G.
Other names: c.8053T>C, p.Ser2685Pro (NM_173054.3); short protein forms S2685P.
Identifiers: ClinVar variation 546518 (VCV000546518.11), dbSNP rs766349515, ClinGen allele CA4420575.